The following is an entry in ClinVar:

ClinVar aggregate classification (germline): Likely benign. Review status: criteria provided, multiple submitters, no conflicts (2 of 4 stars). 4 submissions from 4 submitters: Likely benign (3). 1 of the submissions does not count toward it. Last evaluated 2025-12-30.

Conditions:
NFKB1-related disorder. Also called: NFKB1-related condition.

Allele frequency attached by ClinVar (database versions not stated): gnomAD 0.00010 and 0.00011; ExAC 0.00014; gnomAD exomes 0.00014 and 0.00018; TOPMed 0.00018; ESP Exome Variant Server 0.00054.
gnomAD v4.1: 227 of 1,613,818 alleles (0.014%); highest among the groups gnomAD compares: Middle Eastern, 0.066%; no homozygotes.

Submissions (4):

Labcorp Genetics (formerly Invitae), Labcorp
Classification: Likely benign. Last evaluated: 2025-12-30. Review status: criteria provided, single submitter. Criteria: Invitae Variant Classification Sherloc (09022015). Collection method: clinical testing. Allele origin: germline.

CeGaT Center for Human Genetics Tuebingen
Classification: Likely benign. Last evaluated: 2025-05-01. Review status: criteria provided, single submitter. Criteria: CeGaT Center For Human Genetics Tuebingen Variant Classification Criteria Version 2. Collection method: clinical testing. Allele origin: germline. Affected: yes. Observed: 2 variant alleles.
Comment: NFKB1: BP4, BP7

Blueprint Genetics
Classification: Likely benign. Last evaluated: 2024-11-13. Review status: criteria provided, single submitter. Criteria: ACMG Guidelines, 2015. Collection method: clinical testing. Allele origin: germline.

PreventionGenetics, part of Exact Sciences
Classification: Likely benign for NFKB1-related condition. Last evaluated: 2023-09-08. Review status: no assertion criteria provided. Collection method: clinical testing. Allele origin: germline. Not counted in ClinVar's aggregate classification.
Comment: This variant is classified as likely benign based on ACMG/AMP sequence variant interpretation guidelines (Richards et al. 2015 PMID: 25741868, with internal and published modifications).

NM_003998.4(NFKB1):c.2232A>G (p.Ala744=)

Gene: NFKB1 (nuclear factor kappa B subunit 1; plus strand). Cytogenetic location: 4q24.
Variant type: single nucleotide variant.
Coding change: c.2232A>G on transcript NM_003998.4 (MANE Select); coding-DNA position 2232, A replaced by G.
Protein change: p.Ala744=; no amino-acid change (alanine 744 retained).
Molecular consequence: synonymous variant.
Genome position (GRCh38, 1-based): chr4:102,610,579, A>G. VCF-style: chr4-102610579-A-G. GRCh37 (hg19) VCF-style: chr4-103531736-A-G.
Other names: c.2229A>G, p.Ala743= (NM_001165412.2, NM_001319226.2).
Identifiers: ClinVar variation 741819 (VCV000741819.43), dbSNP rs138657975, ClinGen allele CA3026376.